The following is an entry in ClinVar:

ClinVar aggregate classification (germline): Conflicting classifications of pathogenicity. Review status: criteria provided, conflicting classifications (1 of 4 stars). 3 submissions from 3 submitters: Uncertain significance (1); Likely benign (2). Last evaluated 2026-01-18.

Conditions:
Cardiovascular phenotype. Identifiers: MedGen CN230736.
Primary dilated cardiomyopathy (DCM). Also called: Dilated Cardiomyopathy. Identifiers: Orphanet 217604, MedGen C0007193, MeSH D002311, MONDO:0005021, HP:0001644. Inheritance: Various modes of inheritance.

Allele frequency attached by ClinVar (database versions not stated): gnomAD exomes 0.00003 and 0.00005; ExAC 0.00004; gnomAD 0.00007 and 0.00009; TOPMed 0.00012.
gnomAD v4.1: 48 of 1,613,456 alleles (0.003%); highest among the groups gnomAD compares: African/African-American, 0.015%; no homozygotes.

Submissions (3):

Labcorp Genetics (formerly Invitae), Labcorp
Classification: Likely benign for Primary dilated cardiomyopathy. Last evaluated: 2026-01-18. Review status: criteria provided, single submitter. Criteria: Invitae Variant Classification Sherloc (09022015). Collection method: clinical testing. Allele origin: germline.

GeneDx
Classification: Uncertain significance. Last evaluated: 2025-10-24. Review status: criteria provided, single submitter. Criteria: GeneDx Variant Classification Process June 2021. Collection method: clinical testing. Allele origin: germline. Affected: yes.
Comment: Has not been previously published as pathogenic or benign to our knowledge; In silico analysis is inconclusive as to whether the variant alters gene splicing. In the absence of RNA/functional studies, the actual effect of this sequence change is unknown.

Ambry Genetics
Classification: Likely benign for Cardiovascular phenotype. Last evaluated: 2018-04-05. Review status: criteria provided, single submitter. Criteria: Ambry Variant Classification Scheme 2023. Collection method: clinical testing. Allele origin: germline.

NM_006440.5(TXNRD2):c.135C>T (p.Val45=)

Gene: TXNRD2 (thioredoxin reductase 2; minus strand). Cytogenetic location: 22q11.21.
Variant type: single nucleotide variant.
Coding change: c.135C>T on transcript NM_006440.5 (MANE Select); coding-DNA position 135, C replaced by T.
Protein change: p.Val45=; no amino-acid change (valine 45 retained).
Molecular consequence: synonymous variant. On other transcripts: 5 prime UTR variant (1), non-coding transcript variant (1).
Genome position (GRCh38, 1-based): chr22:19,931,067, G>A on the plus strand (C>T on the coding strand, the complement: TXNRD2 is on the minus strand). VCF-style: chr22-19931067-G-A. GRCh37 (hg19) VCF-style: chr22-19918590-G-A.
Other names: c.135C>T, p.Val45= (NM_001282512.3); c.132C>T, p.Val44= (NM_001352300.2); c.45C>T, p.Val15= (NM_001352301.2); c.-154C>T (NM_001352302.2); c.39C>T, p.Val13= (NM_001352303.2).
Identifiers: ClinVar variation 508987 (VCV000508987.13), dbSNP rs752213778, ClinGen allele CA10104339.